The following is an entry in ClinVar:

NM_006421.5(ARFGEF1):c.1271T>G (p.Phe424Cys)

Gene: ARFGEF1 (ARF guanine nucleotide exchange factor 1; minus strand). Cytogenetic location: 8q13.2.
Variant type: single nucleotide variant.
Coding change: c.1271T>G on transcript NM_006421.5 (MANE Select); coding-DNA position 1271, T replaced by G.
Protein change: p.Phe424Cys; replaces phenylalanine 424 with cysteine.
Molecular consequence: missense variant. On other transcripts: non-coding transcript variant (1), intron variant (1).
Genome position (GRCh38, 1-based): chr8:67,276,042, A>C on the plus strand (T>G on the coding strand, the complement: ARFGEF1 is on the minus strand). VCF-style: chr8-67276042-A-C. GRCh37 (hg19) VCF-style: chr8-68188277-A-C.
Other names: c.1271T>G, p.Phe424Cys (NM_001413184.1, NM_001413185.1, NM_001413186.1 and 7 more transcripts); c.671T>G, p.Phe224Cys (NM_001413188.1, NM_001413193.1, NM_001413197.1); c.-88-4106T>G (NM_001413196.1); short protein forms F224C, F424C.
Identifiers: ClinVar variation 3365330 (VCV003365330.1).

ClinVar aggregate classification (germline): Uncertain significance (1 of 4 stars; one submission).

Submission:

GeneDx
Classification: Uncertain significance. Last evaluated: 2023-12-12. Review status: criteria provided, single submitter. Criteria: GeneDx Variant Classification Process June 2021. Collection method: clinical testing. Allele origin: germline. Affected: yes.
Comment: Not observed at significant frequency in large population cohorts (gnomAD); In silico analysis supports that this missense variant has a deleterious effect on protein structure/function; Has not been previously published as pathogenic or benign to our knowledge